The following continues an entry in ClinVar:

NM_000218.3(KCNQ1):c.1588C>T (p.Gln530Ter)

Gene: KCNQ1. ClinVar aggregate classification (germline): Pathogenic. Pathogenic (17).

Submissions 8 to 20 of 20:

All of Us Research Program, National Institutes of Health
Classification: Pathogenic for Long QT syndrome. Last evaluated: 2024-09-24. Review status: criteria provided, single submitter. Criteria: ACMG Guidelines, 2015. Collection method: clinical testing. Allele origin: germline. Inheritance: Autosomal dominant inheritance. Observed: 10 variant alleles, 10 heterozygotes.
Comment: The c.1588C>T (p.Gln530*) variant of the KCNQ1 gene creates a premature termination codon that is predicted to lead to an absent or truncated protein product. This variant has been identified in heterozygous, compound heterozygous or homozygous status in numerous individuals (>20) with dominant Long QT syndrome as well as recessive Jervell and Lange-Nielsen Syndrome (PMID:10973849, 23174487, 26669661, 11530100, 15051636, 14678125, 18752142, 23392653, 25705178). Loss of function variants are known to be pathogenic for KCNQ1 (PMID: 26669661, 29532034, 23098067). In-vitro assays using Chinese Hamster Ovary cells transfected with mutant plasmid and Xenopus laevis oocyte studies suggest that this variant causes defective trafficking to the cell membrane and non-functional potassium channel (PMID: 15051636, 24912595, 25705178). Truncating variants downstream of this variant are reported in individuals with Long QT syndrome (PMID:19841300, 27871843, 19716085). This variant is found to be rare (7/251292) in the general population database (gnomAD) and interpreted as pathogenic by several submitters in the ClinVar database (ClinVar ID: 52996). Therefore, the c.1588C>T (p.Gln530*) variant in the KCNQ1 gene is classified as pathogenic.

This study involves interpretation of variants in research participants for the purpose of population health screening. Participant phenotype was not available at the time of variant classification. Additional details can be found in publication PMID: 35346344, PMCID: PMC8962531

Color Diagnostics, LLC DBA Color Health
Classification: Pathogenic for Cardiac arrhythmia. Last evaluated: 2024-04-18. Review status: criteria provided, single submitter. Criteria: ACMG Guidelines, 2015. Collection method: clinical testing. Allele origin: germline.
Comment: This variant creates a premature translation stop signal in exon 12 of the KCNQ1 protein. This variant is expected to result in an absent or non-functional protein product. Functional studies have shown that the variant causes defective trafficking to the cell membrane and non-functional potassium channel (PMID: 15051636, 24912595, 25705178). This variant has been reported in the heterozygous state in more than 50 individuals affected with long QT syndrome (PMID: 10973849, 14678125, 18752142, 19716085, 22629021, 23392653, 24552659, 24606995, 27451284) and in the homozygous or compound heterozygous state in more than 20 individuals affected with Jervell and Lange-Nielsen syndrome (PMID: 10704188, 10973849, 11530100, 14510661, 18752142, 23392653, 22629021). This variant has been identified in 7/251292 chromosomes in the general population by the Genome Aggregation Database (gnomAD). Loss of KCNQ1 function is a known mechanism of disease. Based on the available evidence, this variant is classified as Pathogenic.

Clinical Genetics Laboratory, Skane University Hospital Lund
Classification: Pathogenic. Last evaluated: 2023-10-13. Review status: criteria provided, single submitter. Criteria: ACMG Guidelines, 2015. Collection method: clinical testing. Allele origin: germline. Affected: yes.

PreventionGenetics, part of Exact Sciences
Classification: Pathogenic for KCNQ1-related condition. Last evaluated: 2023-10-03. Review status: criteria provided, single submitter. Criteria: ACMG Guidelines, 2015. Collection method: clinical testing. Allele origin: germline.
Comment: The KCNQ1 c.1588C>T variant is predicted to result in premature protein termination (p.Gln530*). This variant has been reported in the homozygous and compound heterozygous state in individuals with Jervell and Lange-Nielsen syndrome (Tranebjaerg et al. 1999. PubMed ID: 10704188; Westenskow et al. 2004. PubMed ID: 15051636) and in the heterozygous state in individuals with long QT syndrome (Wilson et al. 2005. PubMed ID: 15935335; Table S1, Kapplinger et al. 2009. PubMed ID: 19716085). This variant is reported in 0.0062% of alleles in individuals of European (Non-Finnish) descent in gnomAD and has been interpreted as pathogenic in ClinVar. Nonsense variants in KCNQ1 are expected to be pathogenic. This variant is interpreted as pathogenic.

GeneDx
Classification: Pathogenic. Last evaluated: 2022-04-19. Review status: criteria provided, single submitter. Criteria: GeneDx Variant Classification Process June 2021. Collection method: clinical testing. Allele origin: germline. Affected: yes.
Comment: Nonsense variant predicted to result in protein truncation or nonsense mediated decay in a gene for which loss-of-function is a known mechanism of disease; This variant is associated with the following publications: (PMID: 24912595, 15051636, 26675252, 23098067, 24606995, 30406014, 26669661, 30609406, 32383558, 33087929, 23392653, 15935335, 24357532, 19716085, 10704188, 22539601, 14510661, 17470695, 22629021, 21185501, 15840476, 18752142, 11140949, 25705178, 10973849, 26318259, 27451284, 27041150, 27761162, 29033053, 14678125, 30369311, 31589614, 11530100, 34319147)

Fulgent Genetics
Classification: Pathogenic for Beckwith-Wiedemann syndrome; Long QT syndrome 1; Jervell and Lange-Nielsen syndrome 1; Atrial fibrillation, familial, 3; Short QT syndrome type 2. Last evaluated: 2021-11-11. Review status: criteria provided, single submitter. Criteria: ACMG Guidelines, 2015. Collection method: clinical testing. Allele origin: unknown.

AiLife Diagnostics
Classification: Pathogenic. Last evaluated: 2021-08-25. Review status: criteria provided, single submitter. Criteria: ACMG Guidelines, 2015. Collection method: clinical testing. Allele origin: germline. Affected: yes. Observed: 1 variant allele.

Women's Health and Genetics/Laboratory Corporation of America, LabCorp
Classification: Pathogenic for Long QT syndrome. Last evaluated: 2019-09-25. Review status: criteria provided, single submitter. Criteria: LabCorp Variant Classification Summary - May 2015. Collection method: clinical testing. Allele origin: germline.
Comment: Variant summary: KCNQ1 c.1588C>T (p.Gln530X) results in a premature termination codon, predicted to cause a truncation of the encoded protein or absence of the protein due to nonsense mediated decay. The variant allele was found at a frequency of 2.8e-05 in 251292 control chromosomes (gnomAD). c.1588C>T has been reported in the literature in multiple individuals affected with Long QT Syndrome as well as Lange-Nielsen Syndrome (eg. Itoh_2016, Mullally_2013, Tranebjaerg_1999). These data indicate that the variant is very likely to be associated with disease. Functional studies showed the variant did not yield any detectable potassium channel current (Mousavi Nik_2015). Five ClinVar submissions (evaluation after 2014) cite the variant as pathogenic. Based on the evidence outlined above, the variant was classified as pathogenic.

Clinical Genetics Laboratory, Region Ostergotland
Classification: Pathogenic for Long QT syndrome 1. Last evaluated: 2019-07-03. Review status: criteria provided, single submitter. Criteria: ACMG Guidelines, 2015. Collection method: clinical testing. Allele origin: germline. Affected: yes.
Comment: PVS1, PS3, PS4, PP5

Institute of Human Genetics, University of Leipzig Medical Center
Classification: Pathogenic for Long QT syndrome 1. Last evaluated: 2019-01-01. Review status: criteria provided, single submitter. Criteria: ACMG Guidelines, 2015. Collection method: clinical testing. Allele origin: unknown. Affected: yes.

Bioscientia Institut fuer Medizinische Diagnostik GmbH, Sonic Healthcare
Classification: Pathogenic for Long QT syndrome 1. Last evaluated: 2019-06-25. Review status: no assertion criteria provided. Collection method: clinical testing. Allele origin: germline. Affected: yes. Not counted in ClinVar's aggregate classification.

Gharavi Laboratory, Columbia University
Classification: Pathogenic. Last evaluated: 2018-09-16. Review status: no assertion criteria provided. Criteria: ACMG Guidelines, 2015. Collection method: research. Allele origin: germline. Affected: yes. Not counted in ClinVar's aggregate classification.

GeneReviews
No classification provided. Condition: Jervell and Lange-Nielsen syndrome 1. Review status: no classification provided. Collection method: literature only. Allele origin: germline. Not counted in ClinVar's aggregate classification.

Literature cited by the submitters: PubMed 9323054 (cited by Labcorp Genetics (formerly Invitae), Labcorp); PubMed 19862833 (cited by Labcorp Genetics (formerly Invitae), Labcorp); PubMed 11530100 (cited by 7 submitters); PubMed 14510661 (cited by 3 submitters); PubMed 14678125 (cited by 5 submitters); PubMed 15051636 (cited by 7 submitters); PubMed 19716085 (cited by 6 submitters); PubMed 22629021 (cited by Labcorp Genetics (formerly Invitae), Labcorp and Color Diagnostics, LLC DBA Color Health); PubMed 23392653 (cited by 6 submitters); PubMed 24606995 (cited by 3 submitters); PubMed 24912595 (cited by 6 submitters); PubMed 23098067 (cited by Variantyx, Inc. and All of Us Research Program, National Institutes of Health); PubMed 29532034 (cited by Variantyx, Inc. and All of Us Research Program, National Institutes of Health); PubMed 26669661 (cited by 3 submitters); PubMed 30406014 (cited by Variantyx, Inc. and AiLife Diagnostics); PubMed 23174487 (cited by 3 submitters); PubMed 10704188 (cited by 5 submitters); PubMed 10973849 (cited by 3 submitters); PubMed 18752142 (cited by 3 submitters); PubMed 25705178 (cited by 4 submitters); PubMed 32383558 (cited by 3 submitters); PubMed 15935335 (cited by Ambry Genetics and AiLife Diagnostics); PubMed 24357532 (cited by Ambry Genetics and AiLife Diagnostics); PubMed 30369311 (cited by Ambry Genetics); PubMed 19632626 (cited by Victorian Clinical Genetics Services, Murdoch Childrens Research Institute); PubMed 20301308 (cited by Victorian Clinical Genetics Services, Murdoch Childrens Research Institute); PubMed 28438721 (cited by Victorian Clinical Genetics Services, Murdoch Childrens Research Institute); PubMed 19841300 (cited by All of Us Research Program, National Institutes of Health); PubMed 27871843 (cited by All of Us Research Program, National Institutes of Health); PubMed 24552659 (cited by Color Diagnostics, LLC DBA Color Health); PubMed 27451284 (cited by Color Diagnostics, LLC DBA Color Health); PubMed 25525159 (cited by AiLife Diagnostics); NCBI Bookshelf NBK1405 (cited by GeneReviews).